The following is an entry in ClinVar:

ClinVar aggregate classification (germline): Uncertain significance. Review status: criteria provided, multiple submitters, no conflicts (2 of 4 stars). 2 submissions from 2 submitters: Uncertain significance (2). Last evaluated 2025-06-23.

Conditions:
Aortic aneurysm, familial thoracic 4 (AAT4). Also called: AORTIC ANEURYSM/AORTIC DISSECTION AND PATENT DUCTUS ARTERIOSUS. Identifiers: MedGen C1851504, MONDO:0007568, OMIM 132900.
Familial thoracic aortic aneurysm and aortic dissection (TAAD). Also called: Thoracic aortic aneurysms and dissections. Identifiers: Orphanet 91387, MedGen C4707243, MONDO:0019625.

Submissions (2):

Color Diagnostics, LLC DBA Color Health
Classification: Uncertain significance for Familial thoracic aortic aneurysm and aortic dissection. Last evaluated: 2025-06-23. Review status: criteria provided, single submitter. Criteria: ACMG Guidelines, 2015. Collection method: clinical testing. Allele origin: germline.
Comment: This variant causes a C to G nucleotide substitution at the +4 position of intron 34/42 of the MYH11 gene. To our knowledge, functional studies have not been reported for this variant. This variant has not been reported in individuals affected with MYH11-related disorders in the literature. This variant has not been identified in the general population by the Genome Aggregation Database (gnomAD). The available evidence is insufficient to determine the role of this variant in disease conclusively. Therefore, this variant is classified as a Variant of Uncertain Significance.

Labcorp Genetics (formerly Invitae), Labcorp
Classification: Uncertain significance for Aortic aneurysm, familial thoracic 4. Last evaluated: 2024-01-04. Review status: criteria provided, single submitter. Criteria: Invitae Variant Classification Sherloc (09022015). Collection method: clinical testing. Allele origin: germline.
Comment: This sequence change falls in intron 34 of the MYH11 gene. It does not directly change the encoded amino acid sequence of the MYH11 protein. It affects a nucleotide within the consensus splice site. This variant is not present in population databases (gnomAD no frequency). This variant has not been reported in the literature in individuals affected with MYH11-related conditions. Variants that disrupt the consensus splice site are a relatively common cause of aberrant splicing (PMID: 17576681, 9536098). Algorithms developed to predict the effect of sequence changes on RNA splicing suggest that this variant is not likely to affect RNA splicing. In summary, the available evidence is currently insufficient to determine the role of this variant in disease. Therefore, it has been classified as a Variant of Uncertain Significance.

Literature cited by the submitters: PubMed 17576681 (cited by Labcorp Genetics (formerly Invitae), Labcorp); PubMed 9536098 (cited by Labcorp Genetics (formerly Invitae), Labcorp).

NM_002474.3(MYH11):c.4791+4C>G

Genes: MYH11 (myosin heavy chain 11; minus strand), NDE1 (nudE neurodevelopment protein 1; plus strand). Cytogenetic location: 16p13.11.
Variant type: single nucleotide variant.
Coding change: c.4791+4C>G on transcript NM_002474.3 (MANE Select); 4 bases into the intron after coding-DNA position 4791, C replaced by G.
Molecular consequence: intron variant.
Genome position (GRCh38, 1-based): chr16:15,720,835, G>C on the plus strand (C>G on the coding strand, the complement: MYH11 is on the minus strand). VCF-style: chr16-15720835-G-C. GRCh37 (hg19) VCF-style: chr16-15814692-G-C.
Other names: c.948-3356G>C (NM_001143979.2, NM_017668.3); c.4791+4C>G (NM_022844.3); c.4812+4C>G (NM_001040114.2, NM_001040113.2).
Identifiers: ClinVar variation 3018026 (VCV003018026.4), dbSNP rs142108062, ClinGen allele CA2575922764.